The following is an entry in ClinVar:

ClinVar aggregate classification (germline): Uncertain significance. Review status: criteria provided, multiple submitters, no conflicts (2 of 4 stars). 5 submissions from 5 submitters: Uncertain significance (4). 1 of the submissions does not count toward it. Last evaluated 2026-01-20.

Conditions:
RAX2-related disorder. Also called: RAX2-related condition; RAX2-related disorders.
Age related macular degeneration 6. Identifiers: MedGen C3151060, MONDO:0013406, OMIM 613757.

Allele frequency attached by ClinVar (database versions not stated): ExAC 0.00013; gnomAD 0.00019; TOPMed 0.00022; 1000 Genomes Project 0.00040; 1000 Genomes Project 30x 0.00047.
gnomAD v4.1: 339 of 1,557,406 alleles (0.022%); highest among the groups gnomAD compares: Non-Finnish European, 0.027%; no homozygotes.

Submissions (5):

Labcorp Genetics (formerly Invitae), Labcorp
Classification: Uncertain significance. Last evaluated: 2026-01-20. Review status: criteria provided, single submitter. Criteria: Invitae Variant Classification Sherloc (09022015). Collection method: clinical testing. Allele origin: germline.
Comment: This sequence change replaces arginine, which is basic and polar, with glutamine, which is neutral and polar, at codon 87 of the RAX2 protein (p.Arg87Gln). This variant is present in population databases (rs121908280, gnomAD 0.02%). This missense change has been observed in individual(s) with age-related macular degeneration (PMID: 15028672). ClinVar contains an entry for this variant (Variation ID: 1240). An algorithm developed to predict the effect of missense changes on protein structure and function (PolyPhen-2) suggests that this variant is likely to be disruptive. Experimental studies have shown that this missense change affects RAX2 function (PMID: 15028672). In summary, the available evidence is currently insufficient to determine the role of this variant in disease. Therefore, it has been classified as a Variant of Uncertain Significance.

PreventionGenetics, part of Exact Sciences
Classification: Uncertain significance for RAX2-related condition. Last evaluated: 2025-12-08. Review status: criteria provided, single submitter. Criteria: ACMG Guidelines, 2015. Collection method: clinical testing. Allele origin: germline.
Comment: The RAX2 c.260G>A variant is predicted to result in the amino acid substitution p.Arg87Gln. This variant has been reported in an individual with age-related macular degeneration (Wang et al. 2004. PubMed ID: 15028672). An in vitro functional study suggests that this variant affects protein function (Wang et al. 2004. PubMed ID: 15028672). However, this variant is reported in 0.024% of alleles in individuals of European (Non-Finnish) descent in gnomAD, including >300 alleles in the newest version (v4.1) of the database, which may be too frequent for a primary cause of autosomal dominant disease. At this time, the clinical significance of this variant is uncertain due to the absence of conclusive functional and genetic evidence.

Blueprint Genetics
Classification: Uncertain significance. Last evaluated: 2024-08-21. Review status: criteria provided, single submitter. Criteria: ACMG Guidelines, 2015. Collection method: clinical testing. Allele origin: germline.

Illumina Laboratory Services, Illumina
Classification: Uncertain significance for Age related macular degeneration 6. Last evaluated: 2017-08-20. Review status: criteria provided, single submitter. Criteria: ICSL Variant Classification Criteria 13 December 2019. Collection method: clinical testing. Allele origin: germline.
Comment: This variant was observed as part of a predisposition screen in an ostensibly healthy population. A literature search was performed for the gene, cDNA change, and amino acid change (where applicable). Publications were found based on this search. However, the evidence from the literature, in combination with allele frequency data from public databases where available, was not sufficient to rule this variant in or out of causing disease. Therefore, this variant is classified as a variant of unknown significance.

OMIM
Classification: Pathogenic for MACULAR DEGENERATION, AGE-RELATED, 6 (1 patient). Last evaluated: 2004-05-15. Review status: no assertion criteria provided. Collection method: literature only. Allele origin: germline. Not counted in ClinVar's aggregate classification.

Literature cited by the submitters: PubMed 15028672 (cited by 3 submitters); PubMed 25986607 (cited by Illumina Laboratory Services, Illumina).

NM_001319074.4(RAX2):c.260G>A (p.Arg87Gln)

Gene: RAX2 (retina and anterior neural fold homeobox 2; minus strand). Cytogenetic location: 19p13.3.
Variant type: single nucleotide variant.
Coding change: c.260G>A on transcript NM_001319074.4 (MANE Select); coding-DNA position 260, G replaced by A.
Protein change: p.Arg87Gln; replaces arginine 87 with glutamine.
Molecular consequence: missense variant.
Genome position (GRCh38, 1-based): chr19:3,770,916, C>T on the plus strand (G>A on the coding strand, the complement: RAX2 is on the minus strand). VCF-style: chr19-3770916-C-T. GRCh37 (hg19) VCF-style: chr19-3770914-C-T.
Other names: c.260G>A, p.Arg87Gln (NM_032753.4); short protein forms R87Q.
Identifiers: ClinVar variation 1240 (VCV000001240.14), dbSNP rs121908280, ClinGen allele CA114875.
Genomic context (GRCh38, chr19:3,770,916, plus strand): 5'-GGCAGCGCTGGGGCCTCGGGGAGTCTCGGAGCTGCCACGGCACCCGAGCCTGACTCCAGC[C>T]GCTCCTGGCGGCGCCACTTGGCCCGGCGGTTCTGGAACCACACCTGGAGGGTGCGAGAGG-3'
Protein context (NP_001306003.2, residues 77-97): NRRAKWRRQE[Arg87Gln]LESGSGAVAA